The following is an entry in ClinVar:

ClinVar aggregate classification (germline): Pathogenic/Likely pathogenic. Review status: criteria provided, multiple submitters, no conflicts (2 of 4 stars). 2 submissions from 2 submitters: Pathogenic (1); Likely pathogenic (1). Last evaluated 2025-01-03.

Conditions:
Lafora disease. Also called: Epilepsy progressive myoclonic 2; Progressive Myoclonus Epilepsy, Lafora Type. Identifiers: Orphanet 501, MedGen C0751783, MONDO:0009697.
Progressive myoclonic epilepsy. Also called: Progressive myoclonus epilepsy; Familial progressive myoclonic epilepsy; Myoclonus epilepsy; Myoclonic Epilepsies, Progressive. Identifiers: Orphanet 308, Orphanet 98261, MedGen C0751778, MONDO:0020074.

Allele frequency attached by ClinVar (database versions not stated): ExAC 0.00002.
gnomAD v4.1: 2 of 1,614,250 alleles (0.00012%); highest among the groups gnomAD compares: Admixed American, 0.0033%; no homozygotes.

Submissions (2):

Broad Center for Mendelian Genomics, Broad Institute of MIT and Harvard
Classification: Likely pathogenic for Lafora disease. Last evaluated: 2025-01-03. Review status: criteria provided, single submitter. Criteria: ACMG Guidelines, 2015. Collection method: curation. Allele origin: germline. Inheritance: Autosomal recessive inheritance.
Comment: The p.Gly279Cys variant in EPM2A has been reported in 5 individuals with Lafora disease (PMID: 25246353, 34755096), segregated with disease in four affected relatives from one family (PMID: 25246353), and has been identified in in 0.004% (2/44724) of Latino/Admixed American chromosomes by the Genome Aggregation Database (gnomAD; dbSNP ID: rs137852917). Although this variant has been seen in the general population in a heterozygous state, its frequency is low enough to be consistent with a recessive carrier frequency. This variant has also been reported in ClinVar (Variation ID: 834981) and has been interpreted as pathogenic by Invitae. Of the 5 affected individuals, at least 1 was a compound heterozygote that carried a reported pathogenic variant in trans, which increases the likelihood that the p.Gly279Cys variant is pathogenic (Variation ID: 3098; PMID: 25246353). In vitro functional studies provide some evidence that the p.Gly279Cys variant may impact protein function (PMID: 34755096). However, these types of assays may not accurately represent biological function. Computational prediction tools and conservation analyses suggest that this variant may impact the protein, though this information is not predictive enough to determine pathogenicity. One additional likely pathogenic variant, resulting in a different amino acid change at the same position, p.Gly279Ser, has been reported in association with disease in ClinVar, slightly supporting that a change at this position may not be tolerated (Variation ID: 2099). In summary, although additional studies are required to fully establish its clinical significance, this variant is likely pathogenic for autosomal recessive Lafora disease. ACMG/AMP Criteria applied: PM3, PP1_moderate, PP3_moderate, PM2_supporting, PS3_supporting, PM5_supporting (Richards 2015).

Labcorp Genetics (formerly Invitae), Labcorp
Classification: Pathogenic for Progressive myoclonic epilepsy. Last evaluated: 2019-11-18. Review status: criteria provided, single submitter. Criteria: Invitae Variant Classification Sherloc (09022015). Collection method: clinical testing. Allele origin: germline.
Comment: This sequence change replaces glycine with cysteine at codon 279 of the EPM2A protein (p.Gly279Cys). The glycine residue is highly conserved and there is a large physicochemical difference between glycine and cysteine. This variant is present in population databases (rs137852917, ExAC 0.02%). This variant has been observed to segregate with late-onset Lafora disease in a family (PMID: 25246353). Algorithms developed to predict the effect of missense changes on protein structure and function (SIFT, PolyPhen-2, Align-GVGD) all suggest that this variant is likely to be disruptive, but these predictions have not been confirmed by published functional studies and their clinical significance is uncertain. For these reasons, this variant has been classified as Pathogenic.

Literature cited by the submitters: PubMed 34755096 (cited by Broad Center for Mendelian Genomics, Broad Institute of MIT and Harvard); PubMed 25246353 (cited by Labcorp Genetics (formerly Invitae), Labcorp).

NM_005670.4(EPM2A):c.835G>T (p.Gly279Cys)

Gene: EPM2A (EPM2A glucan phosphatase, laforin; minus strand). Cytogenetic location: 6q24.3.
Variant type: single nucleotide variant.
Coding change: c.835G>T on transcript NM_005670.4 (MANE Select); coding-DNA position 835, G replaced by T.
Protein change: p.Gly279Cys; replaces glycine 279 with cysteine.
Molecular consequence: missense variant. On other transcripts: non-coding transcript variant (1).
Genome position (GRCh38, 1-based): chr6:145,627,577, C>A on the plus strand (G>T on the coding strand, the complement: EPM2A is on the minus strand). VCF-style: chr6-145627577-C-A. GRCh37 (hg19) VCF-style: chr6-145948713-C-A.
Other names: NM_005670.4(EPM2A):c.835G>T; p.Gly279Cys; c.835G>T, p.Gly279Cys (NM_001018041.2); c.593G>T, p.Arg198Leu (NM_001360057.2); c.421G>T, p.Gly141Cys (NM_001360064.2, NM_001360071.2, NM_001368131.1); c.373G>T, p.Gly125Cys (NM_001368129.2, NM_001368132.1); short protein forms G279C, G125C, G141C, R198L.
Identifiers: ClinVar variation 834981 (VCV000834981.10), dbSNP rs137852917, ClinGen allele CA4035059.